The following is an entry in ClinVar:

ClinVar aggregate classification (germline): Likely pathogenic (1 of 4 stars; one submission).

Conditions:
Autosomal recessive nonsyndromic hearing loss 77. Identifiers: Orphanet 90636, MedGen C2746083, MONDO:0013119, OMIM 613079.

Submission:

Institute of Rare Diseases, West China Hospital, Sichuan University
Classification: Likely pathogenic for Autosomal recessive nonsyndromic hearing loss 77. Last evaluated: 2025-01-09. Review status: criteria provided, single submitter. Criteria: ClinGen HL ACMG Specifications v1. Collection method: research. Allele origin: germline. Affected: yes.
Comment: PVS1;PM2_Supporting

NM_001384474.1(LOXHD1):c.106del (p.Glu36fs)

Gene: LOXHD1 (lipoxygenase homology PLAT domains 1; minus strand). Cytogenetic location: 18q21.1.
Variant type: Deletion.
Coding change: c.106del on transcript NM_001384474.1 (MANE Select); coding-DNA position 106, one base deleted (G; older notation c.106delG).
Protein change: p.Glu36fs; shifts the reading frame from glutamic acid 36.
Molecular consequence: frameshift variant.
Genome position (GRCh38, 1-based): chr18:46,656,928, C deleted on the plus strand (G on the coding strand, the reverse complement: LOXHD1 is on the minus strand); the first of 2 consecutive C bases (chr18:46,656,928-46,656,929); deleting either gives the same sequence. VCF-style (leftmost placement, unchanged base first): chr18-46656927-TC-T. GRCh37 (hg19) VCF-style: chr18-44236890-TC-T.
Other names: c.106del, p.Glu36fs (NM_144612.7); short protein forms E36fs.
Identifiers: ClinVar variation 3601197 (VCV003601197.1).